The following is an entry in ClinVar:

ClinVar aggregate classification (germline): Uncertain significance (1 of 4 stars; one submission).

Submission:

Labcorp Genetics (formerly Invitae), Labcorp
Classification: Uncertain significance. Last evaluated: 2023-04-14. Review status: criteria provided, single submitter. Criteria: Invitae Variant Classification Sherloc (09022015). Collection method: clinical testing. Allele origin: germline.
Comment: In summary, the available evidence is currently insufficient to determine the role of this variant in disease. Therefore, it has been classified as a Variant of Uncertain Significance. Advanced modeling of protein sequence and biophysical properties (such as structural, functional, and spatial information, amino acid conservation, physicochemical variation, residue mobility, and thermodynamic stability) performed at Invitae indicates that this missense variant is not expected to disrupt COL7A1 protein function. ClinVar contains an entry for this variant (Variation ID: 1946301). This variant has not been reported in the literature in individuals affected with COL7A1-related conditions. This variant is not present in population databases (gnomAD no frequency). This sequence change replaces proline, which is neutral and non-polar, with histidine, which is basic and polar, at codon 2438 of the COL7A1 protein (p.Pro2438His).

NM_000094.4(COL7A1):c.7313C>A (p.Pro2438His)

Gene: COL7A1 (collagen type VII alpha 1 chain; minus strand). Cytogenetic location: 3p21.31.
Variant type: single nucleotide variant.
Coding change: c.7313C>A on transcript NM_000094.4 (MANE Select); coding-DNA position 7313, C replaced by A.
Protein change: p.Pro2438His; replaces proline 2438 with histidine.
Molecular consequence: missense variant.
Genome position (GRCh38, 1-based): chr3:48,570,670, G>T on the plus strand (C>A on the coding strand, the complement: COL7A1 is on the minus strand). VCF-style: chr3-48570670-G-T. GRCh37 (hg19) VCF-style: chr3-48608103-G-T.
Other names: short protein forms P2438H.
Identifiers: ClinVar variation 1946301 (VCV001946301.5), dbSNP rs185142403, ClinGen allele CA352647774.